The following is an entry in ClinVar:

NM_000138.5(FBN1):c.5516A>T (p.Tyr1839Phe)

Gene: FBN1 (fibrillin 1; minus strand). Cytogenetic location: 15q21.1.
Variant type: single nucleotide variant.
Coding change: c.5516A>T on transcript NM_000138.5 (MANE Select); coding-DNA position 5516, A replaced by T.
Protein change: p.Tyr1839Phe; replaces tyrosine 1839 with phenylalanine.
Molecular consequence: missense variant.
Genome position (GRCh38, 1-based): chr15:48,452,591, T>A on the plus strand (A>T on the coding strand, the complement: FBN1 is on the minus strand). VCF-style: chr15-48452591-T-A. GRCh37 (hg19) VCF-style: chr15-48744788-T-A.
Other names: short protein forms Y1839F.
Identifiers: ClinVar variation 502437 (VCV000502437.20), dbSNP rs758725993, ClinGen allele CA055100.

ClinVar aggregate classification (germline): Conflicting classifications of pathogenicity. Review status: criteria provided, conflicting classifications (1 of 4 stars). 7 submissions from 7 submitters: Uncertain significance (3); Likely benign (4). Last evaluated 2026-01-16.

Conditions:
MASS syndrome (OCTD). Also called: OVERLAP CONNECTIVE TISSUE DISEASE; MASS PHENOTYPE. Identifiers: MedGen C1858556, MONDO:0011431, OMIM 604308.
Progeroid and marfanoid aspect-lipodystrophy syndrome. Also called: MARFANOID-PROGEROID SYNDROME; MARFAN-PROGEROID-LIPODYSTROPHY SYNDROME; Marfan lipodystrophy syndrome; MARFANOID-PROGEROID-LIPODYSTROPHY SYNDROME. Identifiers: Orphanet 300382, MedGen C4310796, MONDO:0014831, OMIM 616914.
Ectopia lentis 1, isolated, autosomal dominant (ECTOL1). Identifiers: Orphanet 1885, MedGen C3541518, MONDO:0007514, OMIM 129600.
Weill-Marchesani syndrome 2, dominant. Also called: Weill-Marchesani Syndrome, Autosomal Dominant; FBN1-Related Weill-Marchesani Syndrome. Identifiers: Orphanet 2084, MedGen C1869115, MONDO:0012013, OMIM 608328.
Acromicric dysplasia (ACMICD). Also called: Acromicric skeletal dysplasia. Identifiers: Orphanet 969, MedGen C0265287, MONDO:0007055, OMIM 102370.
Geleophysic dysplasia 2 (GPHYSD2). Identifiers: Orphanet 2623, MedGen C3280054, MONDO:0013612, OMIM 614185.
Stiff skin syndrome (SSKS). Identifiers: Orphanet 2833, MedGen C1861456, MONDO:0008492, OMIM 184900.
Marfan syndrome (MFS). Also called: Marfan syndrome type 1; Marfan syndrome, classic; Marfan's syndrome; FBN1-Related Marfan Syndrome; MARFAN SYNDROME, TYPE I. Identifiers: Orphanet 284963, Orphanet 558, MedGen C0024796, MONDO:0007947, OMIM 154700.
Familial thoracic aortic aneurysm and aortic dissection (TAAD). Also called: Thoracic aortic aneurysms and dissections. Identifiers: Orphanet 91387, MedGen C4707243, MONDO:0019625.

Allele frequency attached by ClinVar (database versions not stated): ExAC 0.00002; gnomAD 0.00006 and 0.00005; gnomAD exomes 0.00001 and 0.00002; TOPMed 0.00005.
gnomAD v4.1: 19 of 1,614,048 alleles (0.0012%); highest among the groups gnomAD compares: African/African-American, 0.025%; no homozygotes.

Submissions (7):

Women's Health and Genetics/Laboratory Corporation of America, LabCorp
Classification: Likely benign. Last evaluated: 2026-01-16. Review status: criteria provided, single submitter. Criteria: LabCorp Variant Classification Summary - May 2015. Collection method: clinical testing. Allele origin: germline.
Comment: Variant summary: FBN1 c.5516A>T (p.Tyr1839Phe) results in a conservative amino acid change in the encoded protein sequence. Algorithms developed to predict the effect of missense changes on protein structure and function are either unavailable or do not agree on the potential impact of this missense change. The variant allele was found at a frequency of 1.2e-05 in 1614048 control chromosomes, predominantly at a frequency of 0.00025 within the African or African-American subpopulation in the gnomAD database. The observed variant frequency within African or African-American control individuals in the gnomAD database exceeds the estimated maximal expected allele frequency for disease-causing variants in FBN1. To our knowledge, no occurrence of c.5516A>T in individuals affected with FBN1-related conditions and no experimental evidence demonstrating its impact on protein function have been reported. ClinVar contains an entry for this variant (Variation ID: 502437). Based on the evidence outlined above, the variant was classified as likely benign.

Labcorp Genetics (formerly Invitae), Labcorp
Classification: Likely benign for Marfan syndrome; Familial thoracic aortic aneurysm and aortic dissection. Last evaluated: 2025-08-26. Review status: criteria provided, single submitter. Criteria: Invitae Variant Classification Sherloc (09022015). Collection method: clinical testing. Allele origin: germline.

Ambry Genetics
Classification: Likely benign for Familial thoracic aortic aneurysm and aortic dissection. Last evaluated: 2025-02-19. Review status: criteria provided, single submitter. Criteria: Ambry Variant Classification Scheme 2023. Collection method: clinical testing. Allele origin: germline.

Color Diagnostics, LLC DBA Color Health
Classification: Likely benign for Familial thoracic aortic aneurysm and aortic dissection. Last evaluated: 2024-05-01. Review status: criteria provided, single submitter. Criteria: ACMG Guidelines, 2015. Collection method: clinical testing. Allele origin: germline.

All of Us Research Program, National Institutes of Health
Classification: Uncertain significance for Marfan syndrome. Last evaluated: 2023-11-20. Review status: criteria provided, single submitter. Criteria: ACMG Guidelines, 2015. Collection method: clinical testing. Allele origin: germline. Inheritance: Autosomal dominant inheritance. Observed: 6 variant alleles, 6 heterozygotes.
Comment: This missense variant replaces tyrosine with phenylalanine at codon 1839 of the FBN1 protein. Computational prediction is inconclusive regarding the impact of this variant on protein structure and function (internally defined REVEL score threshold 0.5 < inconclusive < 0.7, PMID: 27666373). To our knowledge, functional studies have not been reported for this variant. This variant has not been reported in individuals affected with cardiovascular disorders in the literature. This variant has been identified in 9/282656 chromosomes in the general population by the Genome Aggregation Database (gnomAD). The available evidence is insufficient to determine the role of this variant in disease conclusively. Therefore, this variant is classified as a Variant of Uncertain Significance.

This study involves interpretation of variants in research participants for the purpose of population health screening. Participant phenotype was not available at the time of variant classification. Additional details can be found in publication PMID: 35346344, PMCID: PMC8962531

Fulgent Genetics
Classification: Uncertain significance for Acromicric dysplasia; Ectopia lentis 1, isolated, autosomal dominant; Marfan syndrome; Stiff skin syndrome; MASS syndrome; Weill-Marchesani syndrome 2, dominant; Geleophysic dysplasia 2; Progeroid and marfanoid aspect-lipodystrophy syndrome. Last evaluated: 2021-08-16. Review status: criteria provided, single submitter. Criteria: ACMG Guidelines, 2015. Collection method: clinical testing. Allele origin: unknown.

Eurofins Ntd Llc (ga)
Classification: Uncertain significance. Last evaluated: 2017-06-07. Review status: criteria provided, single submitter. Criteria: EGL Classification Definitions 2015. Collection method: clinical testing. Allele origin: germline. Observed: 1 variant allele, 1 heterozygote.